The following is an entry in ClinVar:

NM_014264.5(PLK4):c.2351C>G (p.Ser784Cys)

Gene: PLK4 (polo like kinase 4; plus strand). Cytogenetic location: 4q28.1.
Variant type: single nucleotide variant.
Coding change: c.2351C>G on transcript NM_014264.5 (MANE Select); coding-DNA position 2351, C replaced by G.
Protein change: p.Ser784Cys; replaces serine 784 with cysteine.
Molecular consequence: missense variant.
Genome position (GRCh38, 1-based): chr4:127,893,541, C>G. VCF-style: chr4-127893541-C-G. GRCh37 (hg19) VCF-style: chr4-128814696-C-G.
Other names: c.2255C>G, p.Ser752Cys (NM_001190799.2); c.2228C>G, p.Ser743Cys (NM_001190801.2); short protein forms S743C, S784C, S752C.
Identifiers: ClinVar variation 1480771 (VCV001480771.8), dbSNP rs2148823249, ClinGen allele CA358161944.
Genomic context (GRCh38, chr4:127,893,541, plus strand): 5'-ACAATGACAGAAGCACTCTTCTTTTGAAATAGGGTCATCGTATTTGTTTAGCACTGGAAT[C>G]CATAATTTCAGAAGAGGAAAGGAAAACTAGGAGTGCTCCCTTTTTCCCAATAATCATAGG-3'
Protein context (NP_055079.3, residues 774-794): EGHRICLALE[Ser784Cys]IISEEERKTR

ClinVar aggregate classification (germline): Uncertain significance (1 of 4 stars; one submission).

Submission:

Labcorp Genetics (formerly Invitae), Labcorp
Classification: Uncertain significance. Last evaluated: 2021-02-15. Review status: criteria provided, single submitter. Criteria: Invitae Variant Classification Sherloc (09022015). Collection method: clinical testing. Allele origin: germline.
Comment: This sequence change replaces serine with cysteine at codon 784 of the PLK4 protein (p.Ser784Cys). The serine residue is moderately conserved and there is a moderate physicochemical difference between serine and cysteine. In summary, the available evidence is currently insufficient to determine the role of this variant in disease. Therefore, it has been classified as a Variant of Uncertain Significance. Algorithms developed to predict the effect of missense changes on protein structure and function output the following: SIFT: "Deleterious"; PolyPhen-2: "Benign"; Align-GVGD: "Class C0". The cysteine amino acid residue is found in multiple mammalian species, suggesting that this missense change does not adversely affect protein function. These predictions have not been confirmed by published functional studies and their clinical significance is uncertain. This variant has not been reported in the literature in individuals with PLK4-related conditions. This variant is not present in population databases (ExAC no frequency).